The following is an entry in ClinVar:

NM_001012759.3(CTU2):c.344-219C>T

Gene: CTU2 (cytosolic thiouridylase subunit 2; plus strand). Cytogenetic location: 16q24.3.
Variant type: single nucleotide variant.
Coding change: c.344-219C>T on transcript NM_001012759.3 (MANE Select); 219 bases into the intron before coding-DNA position 344, C replaced by T.
Molecular consequence: intron variant.
Genome position (GRCh38, 1-based): chr16:88,712,055, C>T. VCF-style: chr16-88712055-C-T. GRCh37 (hg19) VCF-style: chr16-88778463-C-T.
Other names: c.344-6C>T (NM_001318507.2); c.344-219C>T (NM_001012762.3); c.83-219C>T (NM_001318513.2).
Identifiers: ClinVar variation 4883241 (VCV004883241.2).

ClinVar aggregate classification (germline): Uncertain significance (1 of 4 stars; one submission).

gnomAD v4.1: 31 of 682,958 alleles (0.0045%); highest among the groups gnomAD compares: African/African-American, 0.051%; no homozygotes.

Submission:

Dasa
Classification: Uncertain significance. Last evaluated: 2024-08-09. Review status: criteria provided, single submitter. Criteria: DASA Assertion Criteria. Collection method: clinical testing. Allele origin: germline.
Comment: NM_001318507.2(CTU2):c.344-6C>T is a splice-region variant. This variant is rare in population databases. Computational prediction algorithms are consistent with a deleterious effect. The currently available literature and clinical evidence are not sufficient to establish a definitive association between this variant and the reported condition. Therefore, this variant is classified as a variant of uncertain significance.